The following is an entry in ClinVar:

ClinVar aggregate classification (germline): Uncertain significance (1 of 4 stars; one submission).

Conditions:
Hereditary cancer-predisposing syndrome. Also called: Hereditary Cancer Syndrome; Hereditary neoplastic syndrome; Neoplastic Syndromes, Hereditary; Tumor predisposition. Identifiers: Orphanet 140162, MedGen C0027672, MeSH D009386, MONDO:0015356.

Allele frequency attached by ClinVar (database versions not stated): ExAC 0.00001; gnomAD 0.00001; 1000 Genomes Project 30x 0.00016; 1000 Genomes Project 0.00020.
gnomAD v4.1: 1 of 1,602,440 alleles (0.000062%); highest among the groups gnomAD compares: African/African-American, 0.0013%; no homozygotes.

Submission:

Ambry Genetics
Classification: Uncertain significance for Hereditary cancer-predisposing syndrome. Last evaluated: 2021-10-15. Review status: criteria provided, single submitter. Criteria: Ambry Variant Classification Scheme 2023. Collection method: clinical testing. Allele origin: germline.
Comment: The p.E342K variant (also known as c.1024G>A), located in coding exon 6 of the MSH3 gene, results from a G to A substitution at nucleotide position 1024. The glutamic acid at codon 342 is replaced by lysine, an amino acid with similar properties. This amino acid position is conserved. In addition, this alteration is predicted to be deleterious by in silico analysis. Since supporting evidence is limited at this time, the clinical significance of this alteration remains unclear.

NM_002439.5(MSH3):c.1024G>A (p.Glu342Lys)

Genes: MSH3 (mutS homolog 3; plus strand), LOC126807437 (MED14-independent group 3 enhancer GRCh37_chr5:79968379-79969578; plus strand). Cytogenetic location: 5q14.1.
Variant type: single nucleotide variant.
Coding change: c.1024G>A on transcript NM_002439.5 (MANE Select); coding-DNA position 1024, G replaced by A.
Protein change: p.Glu342Lys; replaces glutamic acid 342 with lysine.
Molecular consequence: missense variant.
Genome position (GRCh38, 1-based): chr5:80,672,855, G>A. VCF-style: chr5-80672855-G-A. GRCh37 (hg19) VCF-style: chr5-79968674-G-A.
Other names: short protein forms E342K.
Identifiers: ClinVar variation 1769119 (VCV001769119.2), dbSNP rs536975089, ClinGen allele CA3327765.